The following is an entry in ClinVar:

NM_001127208.3(TET2):c.1220C>T (p.Ser407Phe)

Genes: TET2 (tet methylcytosine dioxygenase 2; plus strand), TET2-AS1 (TET2 antisense RNA 1; minus strand). Cytogenetic location: 4q24.
Variant type: single nucleotide variant.
Coding change: c.1220C>T on transcript NM_001127208.3 (MANE Select); coding-DNA position 1220, C replaced by T.
Protein change: p.Ser407Phe; replaces serine 407 with phenylalanine.
Molecular consequence: missense variant.
Genome position (GRCh38, 1-based): chr4:105,235,162, C>T. VCF-style: chr4-105235162-C-T. GRCh37 (hg19) VCF-style: chr4-106156319-C-T.
Other names: c.1220C>T, p.Ser407Phe (NM_017628.4); short protein forms S407F.
Identifiers: ClinVar variation 3806121 (VCV003806121.1).

ClinVar aggregate classification (germline): Uncertain significance (1 of 4 stars; one submission).

Submission:

Ambry Genetics
Classification: Uncertain significance. Last evaluated: 2025-03-12. Review status: criteria provided, single submitter. Criteria: Ambry Variant Classification Scheme 2023. Collection method: clinical testing. Allele origin: germline.
Comment: The p.S407F variant (also known as c.1220C>T), located in coding exon 1 of the TET2 gene, results from a C to T substitution at nucleotide position 1220. The serine at codon 407 is replaced by phenylalanine, an amino acid with highly dissimilar properties. This amino acid position is conserved. In addition, this alteration is predicted to be tolerated by in silico analysis. Based on the available evidence, the clinical significance of this variant remains unclear.